The following is an entry in ClinVar:

NM_000038.6(APC):c.4173T>C (p.Ser1391=)

Gene: APC (APC regulator of Wnt signaling pathway; plus strand). Cytogenetic location: 5q22.2.
Variant type: single nucleotide variant.
Coding change: c.4173T>C on transcript NM_000038.6 (MANE Select); coding-DNA position 4173, T replaced by C.
Protein change: p.Ser1391=; no amino-acid change (serine 1391 retained).
Molecular consequence: synonymous variant. On other transcripts: non-coding transcript variant (2).
Genome position (GRCh38, 1-based): chr5:112,839,767, T>C. VCF-style: chr5-112839767-T-C. GRCh37 (hg19) VCF-style: chr5-112175464-T-C.
Other names: c.4173T>C, p.Ser1391= (NM_001127510.3, NM_001354895.2, NM_001407450.1); c.4119T>C, p.Ser1373= (NM_001127511.3); c.4227T>C, p.Ser1409= (NM_001354896.2, NM_001407447.1, NM_001407448.1 and 1 more transcripts); c.4203T>C, p.Ser1401= (NM_001354897.2); c.4098T>C, p.Ser1366= (NM_001354898.2); c.4089T>C, p.Ser1363= (NM_001354899.2); c.4050T>C, p.Ser1350= (NM_001354900.2); c.3996T>C, p.Ser1332= (NM_001354901.2, NM_001407453.1); and 11 more.
Identifiers: ClinVar variation 1738436 (VCV001738436.10), dbSNP rs2149908216, ClinGen allele CA445964175.
Genomic context (GRCh38, chr5:112,839,767, plus strand): 5'-TCCACCTGAACACTATGTTCAGGAGACCCCACTCATGTTTAGCAGATGTACTTCTGTCAG[T>C]TCACTTGATAGTTTTGAGAGTCGTTCGATTGCCAGCTCCGTTCAGAGTGAACCATGCAGT-3'
Protein context (NP_000029.2, residues 1381-1401): PLMFSRCTSV[Ser1391=]SLDSFESRSI

ClinVar aggregate classification (germline): Likely benign. Review status: criteria provided, multiple submitters, no conflicts (2 of 4 stars). 2 submissions from 2 submitters: Likely benign (2). Last evaluated 2025-08-01.

Conditions:
Hereditary cancer-predisposing syndrome. Also called: Hereditary neoplastic syndrome; Tumor predisposition; Neoplastic Syndromes, Hereditary; Hereditary Cancer Syndrome. Identifiers: Orphanet 140162, MedGen C0027672, MeSH D009386, MONDO:0015356.

Submissions (2):

CeGaT Center for Human Genetics Tuebingen
Classification: Likely benign. Last evaluated: 2025-08-01. Review status: criteria provided, single submitter. Criteria: CeGaT Center For Human Genetics Tuebingen Variant Classification Criteria Version 2. Collection method: clinical testing. Allele origin: germline. Affected: yes. Observed: 1 variant allele.
Comment: APC: PM2:Supporting, BP4, BP7

Ambry Genetics
Classification: Likely benign for Hereditary cancer-predisposing syndrome. Last evaluated: 2019-09-21. Review status: criteria provided, single submitter. Criteria: Ambry Variant Classification Scheme 2023. Collection method: clinical testing. Allele origin: germline.